The following is an entry in ClinVar:

ClinVar aggregate classification (germline): Pathogenic (1 of 4 stars; one submission).

Conditions:
Agammaglobulinemia 7, autosomal recessive (AGM7). Also called: AGAMMAGLOBULINEMIA, AUTOSOMAL RECESSIVE, DUE TO PIK3R1 DEFECT. Identifiers: MedGen C3554689, MONDO:0014083, OMIM 615214.
SHORT syndrome. Also called: SHORT STATURE, HYPEREXTENSIBILITY, HERNIA, OCULAR DEPRESSION, RIEGER ANOMALY, AND TEETHING DELAY; LIPODYSTROPHY, PARTIAL, WITH RIEGER ANOMALY AND SHORT STATURE; PIK3R1-Related SHORT Syndrome. Identifiers: Orphanet 3163, MedGen C0878684, MONDO:0010026, OMIM 269880.
Immunodeficiency 36 with lymphoproliferation. Also called: Immunodeficiency 36; Activated PI3K Delta Syndrome Type 2 (APDS2); ACTIVATED PI3K-DELTA SYNDROME 2. Identifiers: Orphanet 397596, Orphanet 693681, MedGen C4014934, MONDO:0014453, OMIM 616005.

Submission:

Labcorp Genetics (formerly Invitae), Labcorp
Classification: Pathogenic for SHORT syndrome; Immunodeficiency 36 with lymphoproliferation; Agammaglobulinemia 7, autosomal recessive. Last evaluated: 2025-12-24. Review status: criteria provided, single submitter. Criteria: Invitae Variant Classification Sherloc (09022015). Collection method: clinical testing. Allele origin: germline.
Comment: This sequence change creates a premature translational stop signal (p.Leu174Trpfs*3) in the PIK3R1 gene. It is expected to result in an absent or disrupted protein product. Loss-of-function variants in PIK3R1 are known to be pathogenic (PMID: 22351933, 25133428). This variant is not present in population databases (gnomAD no frequency). This variant has not been reported in the literature in individuals affected with PIK3R1-related conditions. For these reasons, this variant has been classified as Pathogenic.

Literature cited by the submitters: PubMed 22351933; PubMed 25133428.

NM_181523.3(PIK3R1):c.521del (p.Leu174fs)

Gene: PIK3R1 (phosphoinositide-3-kinase regulatory subunit 1; plus strand). Cytogenetic location: 5q13.1.
Variant type: Deletion.
Coding change: c.521del on transcript NM_181523.3 (MANE Select); coding-DNA position 521, one base deleted (T; older notation c.521delT).
Protein change: p.Leu174fs; shifts the reading frame from leucine 174.
Molecular consequence: frameshift variant.
Genome position (GRCh38, 1-based): chr5:68,279,620, T deleted; the last of 2 consecutive T bases (chr5:68,279,619-68,279,620); deleting either gives the same sequence. VCF-style (leftmost placement, unchanged base first): chr5-68279618-CT-C. GRCh37 (hg19) VCF-style: chr5-67575446-CT-C.
Other names: short protein forms L174fs.
Identifiers: ClinVar variation 4787131 (VCV004787131.1).